The following is an entry in ClinVar:

NM_005061.3(RPL3L):c.1018dup (p.Thr340fs)

Gene: RPL3L (ribosomal protein L3 like; minus strand). Cytogenetic location: 16p13.3.
Variant type: Duplication.
Coding change: c.1018dup on transcript NM_005061.3 (MANE Select); coding-DNA position 1018, one base duplicated (A; older notation c.1018dupA).
Protein change: p.Thr340fs; shifts the reading frame from threonine 340.
Molecular consequence: frameshift variant.
Genome position (GRCh38, 1-based): chr16:1,945,864, T duplicated on the plus strand (A on the coding strand, the reverse complement: RPL3L is on the minus strand). VCF-style (leftmost placement, unchanged base first): chr16-1945863-G-GT. GRCh37 (hg19) VCF-style: chr16-1995864-G-GT.
Other names: short protein forms T340fs.
Identifiers: ClinVar variation 3365959 (VCV003365959.1).

ClinVar aggregate classification (germline): Uncertain significance (1 of 4 stars; one submission).

Submission:

GeneDx
Classification: Uncertain significance. Last evaluated: 2023-12-21. Review status: criteria provided, single submitter. Criteria: GeneDx Variant Classification Process June 2021. Collection method: clinical testing. Allele origin: germline. Affected: yes.
Comment: Not observed at significant frequency in large population cohorts (gnomAD); Frameshift variant predicted to result in protein truncation or nonsense mediated decay in a gene or region of a gene for which loss of function is not a well-established mechanism of disease; Has not been previously published as pathogenic or benign to our knowledge